The following is an entry in ClinVar:

NM_003482.4(KMT2D):c.7471G>A (p.Ala2491Thr)

Gene: KMT2D (lysine methyltransferase 2D; minus strand). Cytogenetic location: 12q13.12.
Variant type: single nucleotide variant.
Coding change: c.7471G>A on transcript NM_003482.4 (MANE Select); coding-DNA position 7471, G replaced by A.
Protein change: p.Ala2491Thr; replaces alanine 2491 with threonine.
Molecular consequence: missense variant.
Genome position (GRCh38, 1-based): chr12:49,040,299, C>T on the plus strand (G>A on the coding strand, the complement: KMT2D is on the minus strand). VCF-style: chr12-49040299-C-T. GRCh37 (hg19) VCF-style: chr12-49434082-C-T.
Other names: short protein forms A2491T.
Identifiers: ClinVar variation 2064104 (VCV002064104.5), dbSNP rs745796849, ClinGen allele CA236647920.

ClinVar aggregate classification (germline): Uncertain significance. Review status: criteria provided, multiple submitters, no conflicts (2 of 4 stars). 2 submissions from 2 submitters: Uncertain significance (2). Last evaluated 2025-12-03.

Conditions:
Inborn genetic diseases. Identifiers: MedGen C0950123, MeSH D030342.
Kabuki syndrome. Also called: Kabuki make-up syndrome; NIIKAWA-KUROKI SYNDROME. Identifiers: Orphanet 2322, MedGen C0796004, MONDO:0016512.

gnomAD v4.1: 12 of 1,594,960 alleles (0.00075%); highest among the groups gnomAD compares: Middle Eastern, 0.05%; no homozygotes.

Submissions (2):

Ambry Genetics
Classification: Uncertain significance for Inborn genetic diseases. Last evaluated: 2025-12-03. Review status: criteria provided, single submitter. Criteria: Ambry Variant Classification Scheme 2023. Collection method: clinical testing. Allele origin: germline.

Labcorp Genetics (formerly Invitae), Labcorp
Classification: Uncertain significance for Kabuki syndrome. Last evaluated: 2025-04-20. Review status: criteria provided, single submitter. Criteria: Invitae Variant Classification Sherloc (09022015). Collection method: clinical testing. Allele origin: germline.
Comment: This sequence change replaces alanine, which is neutral and non-polar, with threonine, which is neutral and polar, at codon 2491 of the KMT2D protein (p.Ala2491Thr). This variant is not present in population databases (gnomAD no frequency). This variant has not been reported in the literature in individuals affected with KMT2D-related conditions. ClinVar contains an entry for this variant (Variation ID: 2064104). Invitae Evidence Modeling of protein sequence and biophysical properties (such as structural, functional, and spatial information, amino acid conservation, physicochemical variation, residue mobility, and thermodynamic stability) indicates that this missense variant is not expected to disrupt KMT2D protein function with a negative predictive value of 95%. In summary, the available evidence is currently insufficient to determine the role of this variant in disease. Therefore, it has been classified as a Variant of Uncertain Significance.